The following is an entry in ClinVar:

ClinVar aggregate classification (germline): Uncertain significance (1 of 4 stars; one submission).

Conditions:
Familial focal epilepsy with variable foci (FPEVF). Identifiers: Orphanet 98820, MedGen C1858477, MONDO:0020310.

Submission:

Labcorp Genetics (formerly Invitae), Labcorp
Classification: Uncertain significance for Familial focal epilepsy with variable foci. Last evaluated: 2024-12-03. Review status: criteria provided, single submitter. Criteria: Invitae Variant Classification Sherloc (09022015). Collection method: clinical testing. Allele origin: germline.
Comment: This sequence change replaces arginine, which is basic and polar, with leucine, which is neutral and non-polar, at codon 347 of the DEPDC5 protein (p.Arg347Leu). This variant is not present in population databases (gnomAD no frequency). This variant has not been reported in the literature in individuals affected with DEPDC5-related conditions. Experimental studies and prediction algorithms are not available or were not evaluated, and the functional significance of this variant is currently unknown. In summary, the available evidence is currently insufficient to determine the role of this variant in disease. Therefore, it has been classified as a Variant of Uncertain Significance.

NM_001242896.3(DEPDC5):c.1040G>T (p.Arg347Leu)

Gene: DEPDC5 (DEP domain containing 5, GATOR1 subcomplex subunit; plus strand). Cytogenetic location: 22q12.3.
Variant type: single nucleotide variant.
Coding change: c.1040G>T on transcript NM_001242896.3 (MANE Select); coding-DNA position 1040, G replaced by T.
Protein change: p.Arg347Leu; replaces arginine 347 with leucine.
Molecular consequence: missense variant. On other transcripts: non-coding transcript variant (5).
Genome position (GRCh38, 1-based): chr22:31,802,797, G>T. VCF-style: chr22-31802797-G-T. GRCh37 (hg19) VCF-style: chr22-32198783-G-T.
Other names: c.1040G>T, p.Arg347Leu (NM_001007188.4, NM_001136029.4, NM_001242897.2 and 7 more transcripts); c.956G>T, p.Arg319Leu (NM_001369901.1, NM_001369902.1); short protein forms R347L, R319L.
Identifiers: ClinVar variation 3726545 (VCV003726545.2).
Genomic context (GRCh38, chr22:31,802,797, plus strand): 5'-ACCGAACTGGGCAGATGTCAGTGGTGATCACGCCCGGGGTGGGTGTCTTTGAAGTGGACC[G>T]CCTACTCATGATCCTGACCAAGCAGCGGATGATAGATAATGGTAATGCTCTCTGGTTTGT-3'
Protein context (NP_001229825.1, residues 337-357): TPGVGVFEVD[Arg347Leu]LLMILTKQRM